The following is an entry in ClinVar:

ClinVar aggregate classification (germline): Uncertain significance (1 of 4 stars; one submission).

Conditions:
Dilated cardiomyopathy 1O (CMD1O). Also called: CARDIOMYOPATHY, DILATED, WITH VENTRICULAR TACHYCARDIA. Identifiers: Orphanet 154, MedGen C1837839, MONDO:0012062, OMIM 608569.

Submission:

Labcorp Genetics (formerly Invitae), Labcorp
Classification: Uncertain significance for Dilated cardiomyopathy 1O. Last evaluated: 2022-11-24. Review status: criteria provided, single submitter. Criteria: Invitae Variant Classification Sherloc (09022015). Collection method: clinical testing. Allele origin: germline.
Comment: This sequence change replaces valine, which is neutral and non-polar, with isoleucine, which is neutral and non-polar, at codon 1516 of the ABCC9 protein (p.Val1516Ile). This variant is not present in population databases (gnomAD no frequency). This variant has not been reported in the literature in individuals affected with ABCC9-related conditions. Advanced modeling of protein sequence and biophysical properties (such as structural, functional, and spatial information, amino acid conservation, physicochemical variation, residue mobility, and thermodynamic stability) performed at Invitae indicates that this missense variant is expected to disrupt ABCC9 protein function. In summary, the available evidence is currently insufficient to determine the role of this variant in disease. Therefore, it has been classified as a Variant of Uncertain Significance.

NM_020297.4(ABCC9):c.4512+720G>A

Genes: ABCC9 (ATP binding cassette subfamily C member 9; minus strand), KCNJ8-AS1 (KCNJ8 antisense RNA 1; plus strand). Cytogenetic location: 12p12.1.
Variant type: single nucleotide variant.
Coding change: c.4512+720G>A on transcript NM_020297.4 (MANE Select); 720 bases into the intron after coding-DNA position 4512, G replaced by A.
Molecular consequence: intron variant. On other transcripts: missense variant (1).
Genome position (GRCh38, 1-based): chr12:21,805,278, C>T on the plus strand (G>A on the coding strand, the complement: ABCC9 is on the minus strand). VCF-style: chr12-21805278-C-T. GRCh37 (hg19) VCF-style: chr12-21958212-C-T.
Other names: c.4546G>A, p.Val1516Ile (NM_005691.4); c.3645+720G>A (NM_001377274.1); c.4512+720G>A (NM_001377273.1); short protein forms V1516I.
Identifiers: ClinVar variation 2119800 (VCV002119800.4), dbSNP rs2540792146, ClinGen allele CA384129396.
Genomic context (GRCh38, chr12:21,805,278, plus strand): 5'-GGGCGAGCAAATTTGGGACAGTATCACACTCCACTAAAATACCCTCAGAAAAGACTAAAA[C>T]AAGGCCTGCATCCATAATAGAAGAGACACGGTGCTGGAGAGAAAAATAGAAAAGAAGAGA-3'